The following is an entry in ClinVar:

ClinVar aggregate classification (germline): Uncertain significance. Review status: criteria provided, single submitter (1 of 4 stars). 2 submissions from 2 submitters: Uncertain significance (1). 1 of the submissions does not count toward it. Last evaluated 2020-03-12.

Conditions:
CFTR-related disorder (CFTR-RD). Also called: CFTR-related condition; CFTR-related disorders. Identifiers: MedGen C5924204, MONDO:7770004.

gnomAD v4.1: 1 of 1,591,906 alleles (0.000063%); highest among the groups gnomAD compares: South Asian, 0.0011%; no homozygotes.

Submissions (2):

Women's Health and Genetics/Laboratory Corporation of America, LabCorp
Classification: Uncertain significance. Last evaluated: 2020-03-12. Review status: criteria provided, single submitter. Criteria: LabCorp Variant Classification Summary - May 2015. Collection method: clinical testing. Allele origin: germline.
Comment: Variant summary: CFTR c.2936A>G (p.Asp979Gly) results in a non-conservative amino acid change located in the ABC transporter type 1, transmembrane domain (IPR011527) of the encoded protein sequence. Five of five in-silico tools predict a damaging effect of the variant on protein function. The variant allele was found at a frequency of 4e-06 in 251154 control chromosomes (gnomAD). The available data on variant occurrences in the general population are insufficient to allow any conclusion about variant significance. To our knowledge, no occurrence of c.2936A>G in individuals affected with Cystic Fibrosis and no experimental evidence demonstrating its impact on protein function have been reported. No clinical diagnostic laboratories have submitted clinical-significance assessments for this variant to ClinVar after 2014. Other variants affecting the same amino acid (i.e. c.2936A>C, p.Asp979Ala; c.2936A>T, p.Asp979Val) have been classified as pathogenic via internal testing and in ClinVar. Based on the evidence outlined above, the variant was classified as VUS-possibly pathogenic.

Natera, Inc.
Classification: Uncertain significance for CFTR-related disorders. Last evaluated: 2019-09-09. Review status: no assertion criteria provided. Collection method: clinical testing. Allele origin: germline. Not counted in ClinVar's aggregate classification.

NM_000492.4(CFTR):c.2936A>G (p.Asp979Gly)

Genes: CFTR (CF transmembrane conductance regulator; plus strand), CFTR-AS2 (CFTR antisense RNA 2; minus strand). Cytogenetic location: 7q31.2.
Variant type: single nucleotide variant.
Coding change: c.2936A>G on transcript NM_000492.4 (MANE Select); coding-DNA position 2936, A replaced by G.
Protein change: p.Asp979Gly; replaces aspartic acid 979 with glycine.
Molecular consequence: missense variant.
Genome position (GRCh38, 1-based): chr7:117,606,701, A>G. VCF-style: chr7-117606701-A-G. GRCh37 (hg19) VCF-style: chr7-117246755-A-G.
Other names: short protein forms D979G.
Identifiers: ClinVar variation 918155 (VCV000918155.2), dbSNP rs397508462, ClinGen allele CA368989039.